The following is an entry in ClinVar:

ClinVar aggregate classification (germline): Uncertain significance (1 of 4 stars; one submission).

Submission:

GeneDx
Classification: Uncertain significance. Last evaluated: 2021-06-16. Review status: criteria provided, single submitter. Criteria: GeneDx Variant Classification Process June 2021. Collection method: clinical testing. Allele origin: germline. Affected: yes.
Comment: Frameshift variant predicted to result in protein truncation as the last 62 amino acids are replaced with 28 different amino acids, although loss-of-function variants have not been reported downstream of this position in the protein; Has not been previously published as pathogenic or benign to our knowledge; Not observed at significant frequency in large population cohorts (Lek et al., 2016); This variant is associated with the following publications: (PMID: 27535533, 26857240)

NM_001159702.3(FHL1):c.783del (p.Ser262fs)

Gene: FHL1 (four and a half LIM domains 1; plus strand). Cytogenetic location: Xq26.3.
Variant type: Deletion.
Coding change: c.783del on transcript NM_001159702.3 (MANE Plus Clinical); coding-DNA position 783, one base deleted (C; older notation c.783delC).
Protein change: p.Ser262fs; shifts the reading frame from serine 262.
Molecular consequence: frameshift variant. On other transcripts: intron variant (11).
Genome position (GRCh38, 1-based): chrX:136,209,337, C deleted; the last of 3 consecutive C bases (chrX:136,209,335-136,209,337); deleting any one gives the same sequence. VCF-style (leftmost placement, unchanged base first): chrX-136209334-TC-T. GRCh37 (hg19) VCF-style: chrX-135291493-TC-T.
Other names: c.783del, p.Ser262fs (NM_001369326.1, NM_001369327.2, NM_001369328.1); c.689-534del (NM_001449.5, NM_001369329.1, NM_001369330.1 and 4 more transcripts); c.502-534del (NM_001159703.2); c.776-534del (NM_001159701.2); c.737-534del (NM_001159699.2); c.550-534del (NM_001330659.2); short protein forms S262fs.
Identifiers: ClinVar variation 1328910 (VCV001328910.2), dbSNP rs2148381524, ClinGen allele CA2573055113.